The following is an entry in ClinVar:

ClinVar aggregate classification (germline): Uncertain significance (1 of 4 stars; one submission).

Allele frequency attached by ClinVar (database versions not stated): gnomAD exomes below 0.00001; TOPMed below 0.00001; ESP Exome Variant Server 0.00008.
gnomAD v4.1: 2 of 1,614,028 alleles (0.00012%); highest among the groups gnomAD compares: Non-Finnish European, 0.00017%; no homozygotes.

Submission:

Labcorp Genetics (formerly Invitae), Labcorp
Classification: Uncertain significance. Last evaluated: 2025-08-04. Review status: criteria provided, single submitter. Criteria: Invitae Variant Classification Sherloc (09022015). Collection method: clinical testing. Allele origin: germline.
Comment: This sequence change replaces alanine, which is neutral and non-polar, with glycine, which is neutral and non-polar, at codon 382 of the RIPK1 protein (p.Ala382Gly). This variant is not present in population databases (gnomAD no frequency). This variant has not been reported in the literature in individuals affected with RIPK1-related conditions. ClinVar contains an entry for this variant (Variation ID: 2901722). An algorithm developed to predict the effect of missense changes on protein structure and function (PolyPhen-2) suggests that this variant is likely to be tolerated. In summary, the available evidence is currently insufficient to determine the role of this variant in disease. Therefore, it has been classified as a Variant of Uncertain Significance.

NM_001354930.2(RIPK1):c.1145C>G (p.Ala382Gly)

Gene: RIPK1 (receptor interacting serine/threonine kinase 1; plus strand). Cytogenetic location: 6p25.2.
Variant type: single nucleotide variant.
Coding change: c.1145C>G on transcript NM_001354930.2 (MANE Select); coding-DNA position 1145, C replaced by G.
Protein change: p.Ala382Gly; replaces alanine 382 with glycine.
Molecular consequence: missense variant.
Genome position (GRCh38, 1-based): chr6:3,105,620, C>G. VCF-style: chr6-3105620-C-G. GRCh37 (hg19) VCF-style: chr6-3105854-C-G.
Other names: c.656C>G, p.Ala219Gly (NM_001317061.3, NM_001354932.2, NM_001354933.2 and 1 more transcripts); c.1007C>G, p.Ala336Gly (NM_001354931.2); c.1145C>G, p.Ala382Gly (NM_003804.6); short protein forms A382G, A219G, A336G.
Identifiers: ClinVar variation 2901722 (VCV002901722.3), dbSNP rs374826907, ClinGen allele CA133455334.
Genomic context (GRCh38, chr6:3,105,620, plus strand): 5'-CCCTGGAGCACCCACAAGAAGAGAATGAGCCCAGCCTGCAGAGTAAACTCCAAGACGAAG[C>G]CAACTACCATCTTTATGGCAGCCGCATGGACAGGCAGACGAAACAGCAGCCCAGACAGAA-3'
Protein context (NP_001341859.1, residues 372-392): PSLQSKLQDE[Ala382Gly]NYHLYGSRMD